The following is an entry in ClinVar:

NM_000487.6(ARSA):c.464A>G (p.Gln155Arg)

Gene: ARSA (arylsulfatase A; minus strand). Cytogenetic location: 22q13.33.
Variant type: single nucleotide variant.
Coding change: c.464A>G on transcript NM_000487.6 (MANE Select); coding-DNA position 464, A replaced by G.
Protein change: p.Gln155Arg; replaces glutamine 155 with arginine.
Molecular consequence: missense variant.
Genome position (GRCh38, 1-based): chr22:50,627,167, T>C on the plus strand (A>G on the coding strand, the complement: ARSA is on the minus strand). VCF-style: chr22-50627167-T-C. GRCh37 (hg19) VCF-style: chr22-51065595-T-C.
Other names: c.464A>G, p.Gln155Arg (NM_001085425.3, NM_001085426.3, NM_001085427.3); c.206A>G, p.Gln69Arg (NM_001085428.3, NM_001362782.2); short protein forms Q155R, Q69R.
Identifiers: ClinVar variation 4818448 (VCV004818448.1).

ClinVar aggregate classification (germline): Likely pathogenic (1 of 4 stars; one submission).

Conditions:
Metachromatic leukodystrophy (MLD). Also called: ARSA DEFICIENCY; CEREBROSIDE SULFATASE DEFICIENCY; Arylsulfatase A Deficiency; METACHROMATIC LEUKOENCEPHALOPATHY; SULFATIDE LIPIDOSIS; Cerebral sclerosis diffuse metachromatic form. Identifiers: Orphanet 512, MedGen C0023522, MONDO:0018868, OMIM 250100.

gnomAD v4.1: 1 of 1,609,622 alleles (0.000062%); highest among the groups gnomAD compares: Non-Finnish European, 0.000085%; no homozygotes.

Submission:

Natera, Inc.
Classification: Likely pathogenic for Metachromatic leukodystrophy. Last evaluated: 2025-11-13. Review status: criteria provided, single submitter. Criteria: Natera Variant Classification Schema (03/2026). Collection method: clinical testing. Allele origin: germline.
Comment: The c.464A>G variant in ARSA is a missense variant predicted to cause substitution of glutamine to arginine at amino acid 155. This variant is rare in the general population with a frequency below the threshold expected for the associated phenotype(s). This variant has been observed in one or more individuals affected with the associated recessive disease, as either homozygous or compound heterozygous with a second variant (PMID: 36918699). A different variant at the same position has been determined to be Pathogenic or Likely Pathogenic. Computational prediction algorithms indicate this variant is likely to affect gene or protein function. Given the available evidence, this variant is classified as Likely Pathogenic.

Literature cited by the submitters: PubMed 36918699.